The following is an entry in ClinVar:

NM_003900.5(SQSTM1):c.204C>G (p.Arg68=)

Genes: SQSTM1 (sequestosome 1; plus strand), LOC129995449 (ATAC-STARR-seq lymphoblastoid silent region 16749; plus strand). Cytogenetic location: 5q35.3.
Variant type: single nucleotide variant.
Coding change: c.204C>G on transcript NM_003900.5 (MANE Select); coding-DNA position 204, C replaced by G.
Protein change: p.Arg68=; no amino-acid change (arginine 68 retained).
Molecular consequence: synonymous variant. On other transcripts: intron variant (2).
Genome position (GRCh38, 1-based): chr5:179,821,140, C>G. VCF-style: chr5-179821140-C-G. GRCh37 (hg19) VCF-style: chr5-179248140-C-G.
Other names: c.-47-1818C>G (NM_001142298.2, NM_001142299.2).
Identifiers: ClinVar variation 448530 (VCV000448530.9), dbSNP rs1449269769, ClinGen allele CA448058018.

ClinVar aggregate classification (germline): Uncertain significance. Review status: criteria provided, multiple submitters, no conflicts (2 of 4 stars). 2 submissions from 2 submitters: Uncertain significance (2). Last evaluated 2024-11-05.

Conditions:
Frontotemporal dementia and/or amyotrophic lateral sclerosis 1 (FTDALS1). Also called: C9orf72 Frontotemporal Dementia and/or Amyotrophic Lateral Sclerosis; Frontotemporal dementia with motor neuron disease 1. Identifiers: Orphanet 275872, MedGen C5779877, MONDO:0007105, OMIM 105550.
Paget disease of bone 2, early-onset (PDB2). Also called: Paget disease of bone 2. Identifiers: MedGen C4085251, MONDO:0011183, OMIM 602080.

Allele frequency attached by ClinVar (database versions not stated): TOPMed 0.00001; gnomAD 0.00002.
gnomAD v4.1: 13 of 1,348,652 alleles (0.00096%); highest among the groups gnomAD compares: African/African-American, 0.0015%; no homozygotes.

Submissions (2):

Labcorp Genetics (formerly Invitae), Labcorp
Classification: Uncertain significance for Paget disease of bone 2, early-onset; Frontotemporal dementia and/or amyotrophic lateral sclerosis 1. Last evaluated: 2024-11-05. Review status: criteria provided, single submitter. Criteria: Invitae Variant Classification Sherloc (09022015). Collection method: clinical testing. Allele origin: germline.
Comment: This sequence change affects codon 68 of the SQSTM1 mRNA. It is a 'silent' change, meaning that it does not change the encoded amino acid sequence of the SQSTM1 protein. It affects a nucleotide within the consensus splice site. This variant is not present in population databases (gnomAD no frequency). This variant has not been reported in the literature in individuals affected with SQSTM1-related conditions. ClinVar contains an entry for this variant (Variation ID: 448530). Algorithms developed to predict the effect of sequence changes on RNA splicing suggest that this variant is not likely to affect RNA splicing. In summary, the available evidence is currently insufficient to determine the role of this variant in disease. Therefore, it has been classified as a Variant of Uncertain Significance.

Athena Diagnostics
Classification: Uncertain significance. Last evaluated: 2017-04-27. Review status: criteria provided, single submitter. Criteria: Athena Diagnostics Criteria. Collection method: clinical testing. Allele origin: germline.